The following is an entry in ClinVar:

ClinVar aggregate classification (germline): Uncertain significance. Review status: criteria provided, multiple submitters, no conflicts (2 of 4 stars). 3 submissions from 3 submitters: Uncertain significance (3). Last evaluated 2024-12-28.

Conditions:
Cardiovascular phenotype. Identifiers: MedGen CN230736.
Dilated cardiomyopathy 1J (CMD1J). Also called: CARDIOMYOPATHY, DILATED, WITH SENSORINEURAL HEARING LOSS, AUTOSOMAL DOMINANT. Identifiers: Orphanet 217622, MedGen C1854368, MONDO:0011541, OMIM 605362.

Allele frequency attached by ClinVar (database versions not stated): gnomAD 0.00001; gnomAD exomes 0.00002 and 0.00004; TOPMed 0.00002; ExAC 0.00003; ESP Exome Variant Server 0.00008.
gnomAD v4.1: 60 of 1,611,990 alleles (0.0037%); highest among the groups gnomAD compares: Non-Finnish European, 0.005%; no homozygotes.

Submissions (3):

Ambry Genetics
Classification: Uncertain significance for Cardiovascular phenotype. Last evaluated: 2024-12-28. Review status: criteria provided, single submitter. Criteria: Ambry Variant Classification Scheme 2023. Collection method: clinical testing. Allele origin: germline.
Comment: The p.V432L variant (also known as c.1294G>C), located in coding exon 14 of the EYA4 gene, results from a G to C substitution at nucleotide position 1294. The valine at codon 432 is replaced by leucine, an amino acid with highly similar properties. This alteration was noted in one individual from a cohort ascertained from a biobank; clinical information was limited (Ahmadmehrabi S et al. Hum Genet, 2021 Jun;140:957-967). This amino acid position is highly conserved in available vertebrate species. In addition, this alteration is predicted to be deleterious by in silico analysis. Since supporting evidence is limited at this time, the clinical significance of this alteration remains unclear.

Labcorp Genetics (formerly Invitae), Labcorp
Classification: Uncertain significance for Dilated cardiomyopathy 1J. Last evaluated: 2024-01-30. Review status: criteria provided, single submitter. Criteria: Invitae Variant Classification Sherloc (09022015). Collection method: clinical testing. Allele origin: germline.
Comment: This sequence change replaces valine, which is neutral and non-polar, with leucine, which is neutral and non-polar, at codon 432 of the EYA4 protein (p.Val432Leu). This variant is present in population databases (rs145253833, gnomAD 0.004%). This variant has not been reported in the literature in individuals affected with EYA4-related conditions. ClinVar contains an entry for this variant (Variation ID: 163452). Advanced modeling of protein sequence and biophysical properties (such as structural, functional, and spatial information, amino acid conservation, physicochemical variation, residue mobility, and thermodynamic stability) performed at Invitae indicates that this missense variant is expected to disrupt EYA4 protein function with a positive predictive value of 80%. In summary, the available evidence is currently insufficient to determine the role of this variant in disease. Therefore, it has been classified as a Variant of Uncertain Significance.

Laboratory for Molecular Medicine, Mass General Brigham Personalized Medicine
Classification: Uncertain significance. Last evaluated: 2013-05-15. Review status: criteria provided, single submitter. Criteria: LMM Criteria. Collection method: clinical testing. Allele origin: germline. Observed: 1 variant allele.
Comment: The Val432Leu variant in EYA4 has not been reported in individuals with hearing loss but has been identified in 0.02% (1/4406) of African American chromosomes b y the NHLBI Exome Sequencing Project (rs145253 833). Although this variant has been seen in the general population, its frequen cy is not high enough to rule out a pathogenic role. Computational analyses (bio chemical amino acid properties, conservation, AlignGVGD, PolyPhen2, and SIFT) do not provide strong support for or against an impact to the protein. In summary, additional information is needed to determine the clinical significance of this variant.

Literature cited by the submitters: PubMed 33745059 (cited by Ambry Genetics).

NM_004100.5(EYA4):c.1294G>C (p.Val432Leu)

Genes: EYA4 (EYA transcriptional coactivator and phosphatase 4; plus strand), TARID (TCF21 antisense RNA inducing promoter demethylation; minus strand). Cytogenetic location: 6q23.2.
Variant type: single nucleotide variant.
Coding change: c.1294G>C on transcript NM_004100.5 (MANE Select); coding-DNA position 1294, G replaced by C.
Protein change: p.Val432Leu; replaces valine 432 with leucine.
Molecular consequence: missense variant.
Genome position (GRCh38, 1-based): chr6:133,512,733, G>C. VCF-style: chr6-133512733-G-C. GRCh37 (hg19) VCF-style: chr6-133833871-G-C.
Other names: c.1132G>C, p.Val378Leu (NM_001301012.2); c.1312G>C, p.Val438Leu (NM_001301013.2); c.1225G>C, p.Val409Leu (NM_001370458.1, NM_172103.4); c.1150G>C, p.Val384Leu (NM_001370459.1); c.1294G>C, p.Val432Leu (NM_172105.4); short protein forms V432L, V378L, V384L, V438L, V409L.
Identifiers: ClinVar variation 163452 (VCV000163452.11), dbSNP rs145253833, ClinGen allele CA176104.